The following is an entry in ClinVar:

NM_001042492.3(NF1):c.5812+4A>C

Gene: NF1 (neurofibromin 1; plus strand). Cytogenetic location: 17q11.2.
Variant type: single nucleotide variant.
Coding change: c.5812+4A>C on transcript NM_001042492.3 (MANE Select); 4 bases into the intron after coding-DNA position 5812, A replaced by C.
Molecular consequence: intron variant.
Genome position (GRCh38, 1-based): chr17:31,330,502, A>C. VCF-style: chr17-31330502-A-C. GRCh37 (hg19) VCF-style: chr17-29657520-A-C.
Other names: c.5749+4A>C (NM_000267.4).
Identifiers: ClinVar variation 835679 (VCV000835679.6), dbSNP rs1597834988, ClinGen allele CA916080646.

ClinVar aggregate classification (germline): Likely pathogenic (1 of 4 stars; one submission).

Conditions:
Neurofibromatosis, type 1 (NF1). Also called: Peripheral type neurofibromatosis; Neurofibromatosis, type I; VON RECKLINGHAUSEN DISEASE; NEUROFIBROMATOSIS, TYPE I, SOMATIC. Identifiers: Orphanet 636, MedGen C0027831, MONDO:0018975, OMIM 162200. Disease mechanism: loss of function.

Submission:

Labcorp Genetics (formerly Invitae), Labcorp
Classification: Likely pathogenic for Neurofibromatosis, type 1. Last evaluated: 2025-01-13. Review status: criteria provided, single submitter. Criteria: Invitae Variant Classification Sherloc (09022015). Collection method: clinical testing. Allele origin: germline.
Comment: This sequence change falls in intron 38 of the NF1 gene. It does not directly change the encoded amino acid sequence of the NF1 protein. It affects a nucleotide within the consensus splice site. This variant is not present in population databases (gnomAD no frequency). This variant has been observed in individual(s) with neurofibromatosis type 1 (internal data). ClinVar contains an entry for this variant (Variation ID: 835679). Variants that disrupt the consensus splice site are a relatively common cause of aberrant splicing (PMID: 17576681, 9536098). Algorithms developed to predict the effect of sequence changes on RNA splicing suggest that this variant may disrupt the consensus splice site. This variant disrupts the c.5749+4 nucleotide in the NF1 gene. Other variant(s) that disrupt this nucleotide have been determined to be pathogenic (internal data). This suggests that this nucleotide is clinically significant, and that variants that disrupt this position are likely to be disease-causing. In summary, the currently available evidence indicates that the variant is pathogenic, but additional data are needed to prove that conclusively. Therefore, this variant has been classified as Likely Pathogenic.

Literature cited by the submitters: PubMed 17576681; PubMed 9536098.